The following is an entry in ClinVar:

ClinVar aggregate classification (germline): Uncertain significance. Review status: criteria provided, multiple submitters, no conflicts (2 of 4 stars). 2 submissions from 2 submitters: Uncertain significance (2). Last evaluated 2023-07-22.

Conditions:
Cardiovascular phenotype. Identifiers: MedGen CN230736.

Submissions (2):

Ambry Genetics
Classification: Uncertain significance for Cardiovascular phenotype. Last evaluated: 2023-07-22. Review status: criteria provided, single submitter. Criteria: Ambry Variant Classification Scheme 2023. Collection method: clinical testing. Allele origin: germline.
Comment: The p.L2078F variant (also known as c.6232C>T), located in coding exon 43 of the DMD gene, results from a C to T substitution at nucleotide position 6232. The leucine at codon 2078 is replaced by phenylalanine, an amino acid with highly similar properties. This amino acid position is well conserved in available vertebrate species. In addition, this alteration is predicted to be tolerated by in silico analysis. Since supporting evidence is limited at this time, the clinical significance of this alteration remains unclear.

Eurofins Ntd Llc (ga)
Classification: Uncertain significance. Last evaluated: 2015-06-22. Review status: criteria provided, single submitter. Criteria: EGL Classification Definitions 2015. Collection method: clinical testing. Allele origin: germline. Observed: 1 variant allele, 1 hemizygote.

Literature cited by the submitters: PubMed 29178655 (cited by Ambry Genetics).

NM_004006.3(DMD):c.6232C>T (p.Leu2078Phe)

Gene: DMD (dystrophin; minus strand). Cytogenetic location: Xp21.1.
Variant type: single nucleotide variant.
Coding change: c.6232C>T on transcript NM_004006.3 (MANE Select); coding-DNA position 6232, C replaced by T.
Protein change: p.Leu2078Phe; replaces leucine 2078 with phenylalanine.
Molecular consequence: missense variant.
Genome position (GRCh38, 1-based): chrX:32,287,587, G>A on the plus strand (C>T on the coding strand, the complement: DMD is on the minus strand). VCF-style: chrX-32287587-G-A. GRCh37 (hg19) VCF-style: chrX-32305704-G-A.
Other names: c.6208C>T, p.Leu2070Phe (NM_000109.4); c.6220C>T, p.Leu2074Phe (NM_004009.3); c.5863C>T, p.Leu1955Phe (NM_004010.3); c.2209C>T, p.Leu737Phe (NM_004011.4); c.2200C>T, p.Leu734Phe (NM_004012.4); c.6232C>T (NM_004006.2); short protein forms L2078F, L737F, L1955F, L2070F, L2074F, L734F.
Identifiers: ClinVar variation 281483 (VCV000281483.7), dbSNP rs748419295, ClinGen allele CA10603895.
Genomic context (GRCh38, chrX:32,287,587, plus strand): 5'-ACCCTTGTCGGTCCTTGTACATTTTGTTAACTTTTTCCCATTGGAAATCAAGCTGGGAGA[G>A]AGCTTCCTGTAGCTTCACCCTTTCCACAGGCGTTGCACTTTGCAATGCTGCTGTCTTCTT-3'
Protein context (NP_003997.2, residues 2068-2088): PVERVKLQEA[Leu2078Phe]SQLDFQWEKV